The following is an entry in ClinVar:

NM_015148.4(PASK):c.1796G>A (p.Gly599Asp)

Gene: PASK (PAS domain containing serine/threonine kinase; minus strand). Cytogenetic location: 2q37.3.
Variant type: single nucleotide variant.
Coding change: c.1796G>A on transcript NM_015148.4 (MANE Select); coding-DNA position 1796, G replaced by A.
Protein change: p.Gly599Asp; replaces glycine 599 with aspartic acid.
Molecular consequence: missense variant.
Genome position (GRCh38, 1-based): chr2:241,127,119, C>T on the plus strand (G>A on the coding strand, the complement: PASK is on the minus strand). VCF-style: chr2-241127119-C-T. GRCh37 (hg19) VCF-style: chr2-242066534-C-T.
Other names: c.1796G>A, p.Gly599Asp (NM_001252119.2, NM_001252120.2, NM_001252124.2); c.1691G>A, p.Gly564Asp (NM_001252122.2); short protein forms G564D, G599D.
Identifiers: ClinVar variation 3358282 (VCV003358282.1).
Genomic context (GRCh38, chr2:241,127,119, plus strand): 5'-AAGCCCCATTCACTCCCATAGCAAGGGCAGTGCATCAGGAGGCTGCCCCCCGCCAGCTGA[C>T]CCTTGGCCTGGGGCTTGGCCACGGCAGCCCCAGCCCAAAGGTCTGAACCGCTGGGACCAC-3'
Protein context (NP_055963.2, residues 589-609): GAAVAKPQAK[Gly599Asp]QLAGGSLLMH

ClinVar aggregate classification (germline): Uncertain significance (0 of 4 stars; one submission).

Conditions:
PASK-related disorder. Also called: PASK-related condition.

gnomAD v4.1: 1 of 1,614,070 alleles (0.000062%); highest among the groups gnomAD compares: Non-Finnish European, 0.000085%; no homozygotes.

Submission:

PreventionGenetics, part of Exact Sciences
Classification: Uncertain significance for PASK-related condition. Last evaluated: 2024-07-09. Review status: no assertion criteria provided. Collection method: clinical testing. Allele origin: germline.
Comment: The PASK c.1796G>A variant is predicted to result in the amino acid substitution p.Gly599Asp. To our knowledge, this variant has not been reported in the literature or in a large population database, indicating this variant is rare. At this time, the clinical significance of this variant is uncertain due to the absence of conclusive functional and genetic evidence.